The following is an entry in ClinVar:

ClinVar aggregate classification (germline): Uncertain significance (1 of 4 stars; one submission).

Conditions:
Lowe syndrome (OCRL). Also called: LOWE OCULOCEREBRORENAL SYNDROME; PHOSPHATIDYLINOSITOL 4,5-BISPHOSPHATE 5-PHOSPHATASE DEFICIENCY; Oculocerebrorenal Syndrome. Identifiers: Orphanet 534, MedGen C0028860, MONDO:0010645, OMIM 309000.

Allele frequency attached by ClinVar (database versions not stated): gnomAD exomes below 0.00001; TOPMed 0.00002.
gnomAD v4.1: 1 of 1,170,135 alleles (0.000085%); highest among the groups gnomAD compares: East Asian, 0.003%; no homozygotes.

Submission:

Labcorp Genetics (formerly Invitae), Labcorp
Classification: Uncertain significance for Lowe syndrome. Last evaluated: 2021-12-02. Review status: criteria provided, single submitter. Criteria: Invitae Variant Classification Sherloc (09022015). Collection method: clinical testing. Allele origin: germline.
Comment: This sequence change replaces valine, which is neutral and non-polar, with phenylalanine, which is neutral and non-polar, at codon 144 of the OCRL protein (p.Val144Phe). This variant is not present in population databases (gnomAD no frequency). This missense change has been observed in individual(s) with Dent disease (PMID: 31674016). Advanced modeling of protein sequence and biophysical properties (such as structural, functional, and spatial information, amino acid conservation, physicochemical variation, residue mobility, and thermodynamic stability) performed at Invitae indicates that this missense variant is not expected to disrupt OCRL protein function. In summary, the available evidence is currently insufficient to determine the role of this variant in disease. Therefore, it has been classified as a Variant of Uncertain Significance.

Literature cited by the submitters: PubMed 31674016.

NM_000276.4(OCRL):c.430G>T (p.Val144Phe)

Gene: OCRL (OCRL inositol polyphosphate-5-phosphatase; plus strand). Cytogenetic location: Xq26.1.
Variant type: single nucleotide variant.
Coding change: c.430G>T on transcript NM_000276.4 (MANE Select); coding-DNA position 430, G replaced by T.
Protein change: p.Val144Phe; replaces valine 144 with phenylalanine.
Molecular consequence: missense variant.
Genome position (GRCh38, 1-based): chrX:129,557,941, G>T. VCF-style: chrX-129557941-G-T. GRCh37 (hg19) VCF-style: chrX-128691918-G-T.
Other names: c.433G>T, p.Val145Phe (NM_001318784.2); c.430G>T, p.Val144Phe (NM_001587.4); short protein forms V145F, V144F.
Identifiers: ClinVar variation 1394607 (VCV001394607.6), dbSNP rs1283513096, ClinGen allele CA414551222.